The following is an entry in ClinVar:

NM_032043.3(BRIP1):c.868G>T (p.Gly290Cys)

Gene: BRIP1 (BRCA1 interacting DNA helicase 1; minus strand). Cytogenetic location: 17q23.2.
Variant type: single nucleotide variant.
Coding change: c.868G>T on transcript NM_032043.3 (MANE Select); coding-DNA position 868, G replaced by T.
Protein change: p.Gly290Cys; replaces glycine 290 with cysteine.
Molecular consequence: missense variant.
Genome position (GRCh38, 1-based): chr17:61,808,517, C>A on the plus strand (G>T on the coding strand, the complement: BRIP1 is on the minus strand). VCF-style: chr17-61808517-C-A. GRCh37 (hg19) VCF-style: chr17-59885878-C-A.
Other names: short protein forms G290C.
Identifiers: ClinVar variation 1172140 (VCV001172140.2), dbSNP rs145601931, ClinGen allele CA400484745.

ClinVar aggregate classification (germline): Uncertain significance (1 of 4 stars; one submission).

Conditions:
Hereditary cancer-predisposing syndrome. Also called: Tumor predisposition; Hereditary neoplastic syndrome; Hereditary Cancer Syndrome; Neoplastic Syndromes, Hereditary. Identifiers: Orphanet 140162, MedGen C0027672, MeSH D009386, MONDO:0015356.

Submission:

Color Diagnostics, LLC DBA Color Health
Classification: Uncertain significance for Hereditary cancer-predisposing syndrome. Last evaluated: 2020-12-15. Review status: criteria provided, single submitter. Criteria: ACMG Guidelines, 2015. Collection method: clinical testing. Allele origin: germline.
Comment: This missense variant replaces glycine with cysteine at codon 290 of the BRIP1 protein. Computational prediction suggests that this variant may not impact protein structure and function (internally defined REVEL score threshold <= 0.5, PMID: 27666373). To our knowledge, functional studies have not been reported for this variant. This variant has not been reported in individuals affected with hereditary cancer in the literature. This variant has not been identified in the general population by the Genome Aggregation Database (gnomAD). The available evidence is insufficient to determine the role of this variant in disease conclusively. Therefore, this variant is classified as a Variant of Uncertain Significance.